The following is an entry in ClinVar:

NM_000271.5(NPC1):c.746C>G (p.Pro249Arg)

Gene: NPC1 (NPC intracellular cholesterol transporter 1; minus strand). Cytogenetic location: 18q11.2.
Variant type: single nucleotide variant.
Coding change: c.746C>G on transcript NM_000271.5 (MANE Select); coding-DNA position 746, C replaced by G.
Protein change: p.Pro249Arg; replaces proline 249 with arginine.
Molecular consequence: missense variant.
Genome position (GRCh38, 1-based): chr18:23,560,366, G>C on the plus strand (C>G on the coding strand, the complement: NPC1 is on the minus strand). VCF-style: chr18-23560366-G-C. GRCh37 (hg19) VCF-style: chr18-21140330-G-C.
Other names: short protein forms P249R.
Identifiers: ClinVar variation 1998081 (VCV001998081.4), dbSNP rs556244921, ClinGen allele CA401781212.

ClinVar aggregate classification (germline): Uncertain significance (1 of 4 stars; one submission).

Conditions:
Niemann-Pick disease, type C1. Also called: NIEMANN-PICK DISEASE, VARIANT TYPE C1; NEUROVISCERAL STORAGE DISEASE WITH VERTICAL SUPRANUCLEAR OPHTHALMOPLEGIA; NIEMANN-PICK DISEASE WITH CHOLESTEROL ESTERIFICATION BLOCK; NIEMANN-PICK DISEASE WITHOUT SPHINGOMYELINASE DEFICIENCY; NIEMANN-PICK DISEASE, CHRONIC NEURONOPATHIC FORM. Identifiers: Orphanet 646, MedGen C3179455, MONDO:0009757, OMIM 257220.

Submission:

Labcorp Genetics (formerly Invitae), Labcorp
Classification: Uncertain significance for Niemann-Pick disease, type C1. Last evaluated: 2022-05-22. Review status: criteria provided, single submitter. Criteria: Invitae Variant Classification Sherloc (09022015). Collection method: clinical testing. Allele origin: germline.
Comment: This sequence change replaces proline, which is neutral and non-polar, with arginine, which is basic and polar, at codon 249 of the NPC1 protein (p.Pro249Arg). This variant is not present in population databases (gnomAD no frequency). This variant has not been reported in the literature in individuals affected with NPC1-related conditions. Algorithms developed to predict the effect of missense changes on protein structure and function are either unavailable or do not agree on the potential impact of this missense change (SIFT: "Deleterious"; PolyPhen-2: "Probably Damaging"; Align-GVGD: "Class C0"). In summary, the available evidence is currently insufficient to determine the role of this variant in disease. Therefore, it has been classified as a Variant of Uncertain Significance.